The following is an entry in ClinVar:

ClinVar aggregate classification (germline): Likely benign. Review status: criteria provided, multiple submitters, no conflicts (2 of 4 stars). 2 submissions from 2 submitters: Likely benign (2). Last evaluated 2018-06-19.

Allele frequency attached by ClinVar (database versions not stated): 1000 Genomes Project 0.00519; 1000 Genomes Project 30x 0.00593; TOPMed 0.01088; gnomAD 0.01342 and 0.01380; gnomAD exomes 0.01431.
gnomAD v4.1: 9,063 of 643,886 alleles (1.4%); highest among the groups gnomAD compares: Non-Finnish European, 1.9%; 84 homozygotes.

Submissions (2):

GeneDx
Classification: Likely benign. Last evaluated: 2018-06-19. Review status: criteria provided, single submitter. Criteria: GeneDx Variant Classification (06012015). Collection method: clinical testing. Allele origin: germline. Affected: yes.
Comment: This variant is considered likely benign or benign based on one or more of the following criteria: it is a conservative change, it occurs at a poorly conserved position in the protein, it is predicted to be benign by multiple in silico algorithms, and/or has population frequency not consistent with disease.

Breakthrough Genomics
Classification: Likely benign. Review status: criteria provided, single submitter. Criteria: ACMG Guidelines, 2015. Collection method: not provided. Allele origin: germline. Inheritance: Autosomal recessive inheritance. Affected: yes.

NM_003119.4(SPG7):c.861+196C>T

Gene: SPG7 (SPG7 matrix AAA peptidase subunit, paraplegin; plus strand). Cytogenetic location: 16q24.3.
Variant type: single nucleotide variant.
Coding change: c.861+196C>T on transcript NM_003119.4 (MANE Select); 196 bases into the intron after coding-DNA position 861, C replaced by T.
Molecular consequence: intron variant.
Genome position (GRCh38, 1-based): chr16:89,529,775, C>T. VCF-style: chr16-89529775-C-T. GRCh37 (hg19) VCF-style: chr16-89596183-C-T.
Other names: c.861+196C>T (NM_001363850.1, NM_199367.3).
Identifiers: ClinVar variation 679017 (VCV000679017.2), dbSNP rs117896335, ClinGen allele CA286541940.
Genomic context (GRCh38, chr16:89,529,775, plus strand): 5'-CTCACCTTCCTTTCCCATGGTCCGGCTGTAAGGCGTGTAGTAACCAATGTTGCCTGAGGG[C>T]CTCTCACCCCTAACTCTGGGGTGCCTGAGCCTTGTGAGATTACAGGGCAGTTGAATCTGC-3'